The following is an entry in ClinVar:

NM_001267550.2(TTN):c.24719A>G (p.Gln8240Arg)

Gene: TTN (titin; minus strand). Cytogenetic location: 2q31.2.
Variant type: single nucleotide variant.
Coding change: c.24719A>G on transcript NM_001267550.2 (MANE Select); coding-DNA position 24719, A replaced by G.
Protein change: p.Gln8240Arg; replaces glutamine 8240 with arginine.
Molecular consequence: missense variant. On other transcripts: intron variant (3).
Genome position (GRCh38, 1-based): chr2:178,718,387, T>C on the plus strand (A>G on the coding strand, the complement: TTN is on the minus strand). VCF-style: chr2-178718387-T-C. GRCh37 (hg19) VCF-style: chr2-179583114-T-C.
Other names: c.23768A>G, p.Gln7923Arg (NM_001256850.1); c.20987A>G, p.Gln6996Arg (NM_133378.4); c.13282+19695A>G (NM_003319.4); c.13858+19695A>G (NM_133437.4); c.13657+19695A>G (NM_133432.3); short protein forms Q7923R, Q8240R, Q6996R.
Identifiers: ClinVar variation 507467 (VCV000507467.1), dbSNP rs747625896, ClinGen allele CA2000375.
Genomic context (GRCh38, chr2:178,718,387, plus strand): 5'-ACAGACACCAGAGCTTCACAGATATCTTGACCAGCCTCATTTTCTATCAGGCAGCTGTAC[T>C]GTGCATAATCCTCTATTGTGCTCTCAAGAATTTCCAGTATGGTAGATTTTTCTGTCATAG-3'
Protein context (NP_001254479.2, residues 8230-8250): ILESTIEDYA[Gln8240Arg]YSCLIENEAG

ClinVar aggregate classification (germline): Likely benign (1 of 4 stars; one submission).

Allele frequency attached by ClinVar (database versions not stated): TOPMed below 0.00001; gnomAD exomes 0.00001 and 0.00002; ExAC 0.00002.
gnomAD v4.1: 8 of 1,613,834 alleles (0.0005%); highest among the groups gnomAD compares: Admixed American, 0.013%; no homozygotes.

Submission:

GeneDx
Classification: Likely benign. Last evaluated: 2017-02-20. Review status: criteria provided, single submitter. Criteria: GeneDx Variant Classification (06012015). Collection method: clinical testing. Allele origin: germline. Affected: yes.
Comment: This variant is considered likely benign or benign based on one or more of the following criteria: it is a conservative change, it occurs at a poorly conserved position in the protein, it is predicted to be benign by multiple in silico algorithms, and/or has population frequency not consistent with disease.